The following is an entry in ClinVar:

ClinVar aggregate classification (germline): Uncertain significance (1 of 4 stars; one submission).

Conditions:
Woodhouse-Sakati syndrome. Also called: Hypogonadism, Alopecia, Diabetes Mellitus, Mental Retardation, and Extrapyramidal Syndrome; Hypogonadism, diabetes mellitus, alopecia, mental retardation and electrocardiographic abnormalities; EXTRAPYRAMIDAL DISORDER, PROGRESSIVE, WITH PRIMARY HYPOGONADISM, MENTAL RETARDATION, AND ALOPECIA. Identifiers: Orphanet 3464, MedGen C0342286, MONDO:0009419, OMIM 241080.

Submission:

Labcorp Genetics (formerly Invitae), Labcorp
Classification: Uncertain significance for Woodhouse-Sakati syndrome. Last evaluated: 2022-06-08. Review status: criteria provided, single submitter. Criteria: Invitae Variant Classification Sherloc (09022015). Collection method: clinical testing. Allele origin: germline.
Comment: This sequence change replaces lysine, which is basic and polar, with asparagine, which is neutral and polar, at codon 464 of the DCAF17 protein (p.Lys464Asn). In summary, the available evidence is currently insufficient to determine the role of this variant in disease. Therefore, it has been classified as a Variant of Uncertain Significance. Algorithms developed to predict the effect of missense changes on protein structure and function are either unavailable or do not agree on the potential impact of this missense change (SIFT: "Deleterious"; PolyPhen-2: "Probably Damaging"; Align-GVGD: "Class C0"). This variant has not been reported in the literature in individuals affected with DCAF17-related conditions. This variant is not present in population databases (gnomAD no frequency).

NM_025000.4(DCAF17):c.1392A>T (p.Lys464Asn)

Gene: DCAF17 (DDB1 and CUL4 associated factor 17; plus strand). Cytogenetic location: 2q31.1.
Variant type: single nucleotide variant.
Coding change: c.1392A>T on transcript NM_025000.4 (MANE Select); coding-DNA position 1392, A replaced by T.
Protein change: p.Lys464Asn; replaces lysine 464 with asparagine.
Molecular consequence: missense variant. On other transcripts: non-coding transcript variant (1).
Genome position (GRCh38, 1-based): chr2:171,480,163, A>T. VCF-style: chr2-171480163-A-T. GRCh37 (hg19) VCF-style: chr2-172336673-A-T.
Other names: c.1191A>T, p.Lys397Asn (NM_001164821.2); short protein forms K397N, K464N.
Identifiers: ClinVar variation 2001738 (VCV002001738.4), dbSNP rs2529808497, ClinGen allele CA349279664.